The following is an entry in ClinVar:

ClinVar aggregate classification (germline): Uncertain significance (1 of 4 stars; one submission).

Submission:

Labcorp Genetics (formerly Invitae), Labcorp
Classification: Uncertain significance. Last evaluated: 2025-04-12. Review status: criteria provided, single submitter. Criteria: Invitae Variant Classification Sherloc (09022015). Collection method: clinical testing. Allele origin: germline.
Comment: This sequence change replaces asparagine, which is neutral and polar, with lysine, which is basic and polar, at codon 771 of the WHSC1 protein (p.Asn771Lys). This variant is not present in population databases (gnomAD no frequency). This variant has not been reported in the literature in individuals affected with WHSC1-related conditions. Invitae Evidence Modeling of protein sequence and biophysical properties (such as structural, functional, and spatial information, amino acid conservation, physicochemical variation, residue mobility, and thermodynamic stability) indicates that this missense variant is not expected to disrupt WHSC1 protein function with a negative predictive value of 80%. In summary, the available evidence is currently insufficient to determine the role of this variant in disease. Therefore, it has been classified as a Variant of Uncertain Significance.

NM_001042424.3(NSD2):c.2313C>G (p.Asn771Lys)

Gene: NSD2 (nuclear receptor binding SET domain protein 2; plus strand). Cytogenetic location: 4p16.3.
Variant type: single nucleotide variant.
Coding change: c.2313C>G on transcript NM_001042424.3 (MANE Select); coding-DNA position 2313, C replaced by G.
Protein change: p.Asn771Lys; replaces asparagine 771 with lysine.
Molecular consequence: missense variant. On other transcripts: intron variant (1).
Genome position (GRCh38, 1-based): chr4:1,953,499, C>G. VCF-style: chr4-1953499-C-G. GRCh37 (hg19) VCF-style: chr4-1955226-C-G.
Other names: c.2313C>G, p.Asn771Lys (NM_001440892.1, NM_001440894.1, NM_001440895.1 and 3 more transcripts); c.2412C>G, p.Asn804Lys (NM_001440893.1); c.2106C>G, p.Asn702Lys (NM_001440897.1, NM_001440898.1); c.1344C>G, p.Asn448Lys (NM_001440899.1, NM_001440900.1); c.2137+1268C>G (NM_001440896.1); short protein forms N702K, N448K, N771K, N804K.
Identifiers: ClinVar variation 4691912 (VCV004691912.1).